The following is an entry in ClinVar:

NM_000540.3(RYR1):c.7688C>T (p.Thr2563Ile)

Gene: RYR1 (ryanodine receptor 1; plus strand). Cytogenetic location: 19q13.2.
Variant type: single nucleotide variant.
Coding change: c.7688C>T on transcript NM_000540.3 (MANE Select); coding-DNA position 7688, C replaced by T.
Protein change: p.Thr2563Ile; replaces threonine 2563 with isoleucine.
Molecular consequence: missense variant.
Genome position (GRCh38, 1-based): chr19:38,502,580, C>T. VCF-style: chr19-38502580-C-T. GRCh37 (hg19) VCF-style: chr19-38993220-C-T.
Other names: c.7688C>T, p.Thr2563Ile (NM_001042723.2); short protein forms T2563I.
Identifiers: ClinVar variation 3069254 (VCV003069254.1), dbSNP rs2514333384, ClinGen allele CA405671620.

ClinVar aggregate classification (germline): Uncertain significance (1 of 4 stars; one submission).

Conditions:
Malignant hyperthermia, susceptibility to, 1 (MHS1). Also called: RYR1-Related Malignant Hyperthermia Susceptibility; Anesthesia related hyperthermia; Malignant hyperpyrexia; Fulminating hyperpyrexia; Pharmacogenic myopathy; Malignant hyperthermia suceptibility 1. Identifiers: Orphanet 423, MedGen C2930980, MONDO:0007783, OMIM 145600.

Allele frequency attached by ClinVar (database versions not stated): gnomAD exomes 0.00001.
gnomAD v4.1: 13 of 1,612,538 alleles (0.00081%); highest among the groups gnomAD compares: Non-Finnish European, 0.00093%; no homozygotes.

Submission:

All of Us Research Program, National Institutes of Health
Classification: Uncertain significance for Malignant hyperthermia, susceptibility to, 1. Last evaluated: 2023-11-20. Review status: criteria provided, single submitter. Criteria: ACMG Guidelines, 2015. Collection method: clinical testing. Allele origin: germline. Inheritance: Autosomal dominant inheritance. Observed: 2 variant alleles, 2 heterozygotes.
Comment: This missense variant replaces threonine with isoleucine at codon 2563 of the RYR1 protein. Computational prediction suggests that this variant may have deleterious impact on protein structure and function (internally defined REVEL score threshold >= 0.7, PMID: 27666373). To our knowledge, functional studies have not been reported for this variant. This variant has not been reported in individuals affected with RYR1-related disorders in the literature. This variant has not been identified in the general population by the Genome Aggregation Database (gnomAD). The available evidence is insufficient to determine the role of this variant in disease conclusively. Therefore, this variant is classified as a Variant of Uncertain Significance.

This study involves interpretation of variants in research participants for the purpose of population health screening. Participant phenotype was not available at the time of variant classification. Additional details can be found in publication PMID: 35346344, PMCID: PMC8962531